The following is an entry in ClinVar:

ClinVar aggregate classification (germline): Conflicting classifications of pathogenicity. Review status: criteria provided, conflicting classifications (1 of 4 stars). 5 submissions from 5 submitters: Uncertain significance (3); Likely benign (2). Last evaluated 2025-12-31.

Conditions:
Primary ciliary dyskinesia. Also called: Ciliary dyskinesia. Identifiers: Orphanet 244, MedGen C0008780, MONDO:0016575, HP:0012265.
Primary ciliary dyskinesia 3. Identifiers: Orphanet 244, MedGen C1837618, MONDO:0012085, OMIM 608644.

Allele frequency attached by ClinVar (database versions not stated): ESP Exome Variant Server 0.00008; gnomAD exomes 0.00013 and 0.00025; gnomAD 0.00014 and 0.00018; TOPMed 0.00018; ExAC 0.00026; 1000 Genomes Project 30x 0.00047; 1000 Genomes Project 0.00060.
gnomAD v4.1: 220 of 1,614,232 alleles (0.014%); highest among the groups gnomAD compares: East Asian, 0.24%; no homozygotes.

Submissions (5):

Labcorp Genetics (formerly Invitae), Labcorp
Classification: Likely benign for Primary ciliary dyskinesia. Last evaluated: 2025-12-31. Review status: criteria provided, single submitter. Criteria: Invitae Variant Classification Sherloc (09022015). Collection method: clinical testing. Allele origin: germline.

Ambry Genetics
Classification: Likely benign for Primary ciliary dyskinesia. Last evaluated: 2025-07-29. Review status: criteria provided, single submitter. Criteria: Ambry Variant Classification Scheme 2023. Collection method: clinical testing. Allele origin: germline.

ARUP Laboratories, Molecular Genetics and Genomics, ARUP Laboratories
Classification: Uncertain significance for Primary ciliary dyskinesia 3. Last evaluated: 2025-02-27. Review status: criteria provided, single submitter. Criteria: ARUP Molecular Germline Variant Investigation Process 2024. Collection method: clinical testing. Allele origin: germline.
Comment: The DNAH5 c.9781A>G; p.Lys3261Glu variant (rs146215039, ClinVar Variation ID: 698807) is reported in the literature in a single individual included in a cohort of heterotaxy and congenital heart disease patients, though no second variant was identified (Li 2018). This variant is found in the East Asian population with an allele frequency of 0.27% (54/ 19954 alleles) in the Genome Aggregation Database (v2.1.1). Computational analyses are uncertain whether this variant is neutral or deleterious (REVEL: 0.389). Due to limited information, the clinical significance of this variant is uncertain at this time. References: Li S et al. A novel ZIC3 gene mutation identified in patients with heterotaxy and congenital heart disease. Sci Rep. 2018 Aug 17;8(1):12386. PMID: 30120289

GeneDx
Classification: Uncertain significance. Last evaluated: 2024-09-13. Review status: criteria provided, single submitter. Criteria: GeneDx Variant Classification Process June 2021. Collection method: clinical testing. Allele origin: germline. Affected: yes.
Comment: In silico analysis supports that this missense variant has a deleterious effect on protein structure/function; Reported in a patient with heterotaxy and congenital heart disease but no second variant was identified (PMID: 30120289); This variant is associated with the following publications: (PMID: 30120289)

Illumina Laboratory Services, Illumina
Classification: Uncertain significance for Primary ciliary dyskinesia 3. Last evaluated: 2018-01-12. Review status: criteria provided, single submitter. Criteria: ICSL Variant Classification Criteria 13 December 2019. Collection method: clinical testing. Allele origin: germline.

NM_001369.3(DNAH5):c.9781A>G (p.Lys3261Glu)

Gene: DNAH5 (dynein axonemal heavy chain 5; minus strand). Cytogenetic location: 5p15.2.
Variant type: single nucleotide variant.
Coding change: c.9781A>G on transcript NM_001369.3 (MANE Select); coding-DNA position 9781, A replaced by G.
Protein change: p.Lys3261Glu; replaces lysine 3261 with glutamic acid.
Molecular consequence: missense variant.
Genome position (GRCh38, 1-based): chr5:13,769,076, T>C on the plus strand (A>G on the coding strand, the complement: DNAH5 is on the minus strand). VCF-style: chr5-13769076-T-C. GRCh37 (hg19) VCF-style: chr5-13769185-T-C.
Other names: short protein forms K3261E.
Identifiers: ClinVar variation 698807 (VCV000698807.21), dbSNP rs146215039, ClinGen allele CA3202427.
Genomic context (GRCh38, chr5:13,769,076, plus strand): 5'-CAGCAATGGCTTTGTCTTTAGAGATGCTGTCCACAATGGCCTGGGCCCTGTCCTTCACCT[T>C]CTGTACCTCAGCCTTGACCTTTTCAGCAGCCTGTGCTTTCATTGTCACTTCTTTTAAGAC-3'
Protein context (NP_001360.1, residues 3251-3271): AAEKVKAEVQ[Lys3261Glu]VKDRAQAIVD